The following is an entry in ClinVar:

ClinVar aggregate classification (germline): Uncertain significance (1 of 4 stars; one submission).

Submission:

CeGaT Center for Human Genetics Tuebingen
Classification: Uncertain significance. Last evaluated: 2022-08-01. Review status: criteria provided, single submitter. Criteria: CeGaT Center For Human Genetics Tuebingen Variant Classification Criteria Version 2. Collection method: clinical testing. Allele origin: germline. Affected: yes. Observed: 1 variant allele.
Comment: CREBBP: PM2, PP2

NM_004380.3(CREBBP):c.6109A>G (p.Arg2037Gly)

Gene: CREBBP (CREB binding lysine acetyltransferase; minus strand). Cytogenetic location: 16p13.3.
Variant type: single nucleotide variant.
Coding change: c.6109A>G on transcript NM_004380.3 (MANE Select); coding-DNA position 6109, A replaced by G.
Protein change: p.Arg2037Gly; replaces arginine 2037 with glycine.
Molecular consequence: missense variant.
Genome position (GRCh38, 1-based): chr16:3,728,938, T>C on the plus strand (A>G on the coding strand, the complement: CREBBP is on the minus strand). VCF-style: chr16-3728938-T-C. GRCh37 (hg19) VCF-style: chr16-3778939-T-C.
Other names: c.5995A>G, p.Arg1999Gly (NM_001079846.1); short protein forms R1999G, R2037G.
Identifiers: ClinVar variation 1711399 (VCV001711399.30), dbSNP rs752108621, ClinGen allele CA394554204.